The following is an entry in ClinVar:

ClinVar aggregate classification (germline): Uncertain significance (1 of 4 stars; one submission).

Conditions:
Neurodegeneration with brain iron accumulation 6 (NBIA6). Also called: COASY protein-associated neurodegeneration. Identifiers: Orphanet 397725, MedGen C4517377, MONDO:0014290, OMIM 615643.

Submission:

Labcorp Genetics (formerly Invitae), Labcorp
Classification: Uncertain significance for Neurodegeneration with brain iron accumulation 6. Last evaluated: 2021-09-07. Review status: criteria provided, single submitter. Criteria: Invitae Variant Classification Sherloc (09022015). Collection method: clinical testing. Allele origin: germline.
Comment: This sequence change replaces proline with threonine at codon 128 of the COASY protein (p.Pro128Thr). The proline residue is moderately conserved and there is a small physicochemical difference between proline and threonine. This variant is not present in population databases (ExAC no frequency). This variant has not been reported in the literature in individuals affected with COASY-related conditions. Algorithms developed to predict the effect of missense changes on protein structure and function are either unavailable or do not agree on the potential impact of this missense change (SIFT: "Tolerated"; PolyPhen-2: "Probably Damaging"; Align-GVGD: "Class C0"). In summary, the available evidence is currently insufficient to determine the role of this variant in disease. Therefore, it has been classified as a Variant of Uncertain Significance.

NM_025233.7(COASY):c.382C>A (p.Pro128Thr)

Gene: COASY (Coenzyme A synthase; plus strand). Cytogenetic location: 17q21.2.
Variant type: single nucleotide variant.
Coding change: c.382C>A on transcript NM_025233.7 (MANE Select); coding-DNA position 382, C replaced by A.
Protein change: p.Pro128Thr; replaces proline 128 with threonine.
Molecular consequence: missense variant.
Genome position (GRCh38, 1-based): chr17:42,563,004, C>A. VCF-style: chr17-42563004-C-A. GRCh37 (hg19) VCF-style: chr17-40715022-C-A.
Other names: c.382C>A, p.Pro128Thr (NM_001042529.3); c.469C>A, p.Pro157Thr (NM_001042532.4); short protein forms P128T, P157T.
Identifiers: ClinVar variation 1473668 (VCV001473668.6), dbSNP rs2143195384, ClinGen allele CA399617732.
Genomic context (GRCh38, chr17:42,563,004, plus strand): 5'-GCCCACCCGCCAGAAGTCGTGTTGACAGATTTCCAGACCCTGGATGGAAGCCAGTACAAC[C>A]CGGTCAAACAGCAGCTAGTGCGTTACGCCACCAGCTGTTACAGCTGTTGTCCGCGACTGG-3'
Protein context (NP_079509.5, residues 118-138): FQTLDGSQYN[Pro128Thr]VKQQLVRYAT